The following is an entry in ClinVar:

NM_001457.4(FLNB):c.5554+203C>T

Gene: FLNB (filamin B; plus strand). Cytogenetic location: 3p14.3.
Variant type: single nucleotide variant.
Coding change: c.5554+203C>T on transcript NM_001457.4 (MANE Select); 203 bases into the intron after coding-DNA position 5554, C replaced by T.
Molecular consequence: intron variant.
Genome position (GRCh38, 1-based): chr3:58,146,252, C>T. VCF-style: chr3-58146252-C-T. GRCh37 (hg19) VCF-style: chr3-58131979-C-T.
Other names: c.5647+203C>T (NM_001164317.2); c.5521+203C>T (NM_001164318.2); c.5482+203C>T (NM_001164319.2).
Identifiers: ClinVar variation 683143 (VCV000683143.1), dbSNP rs13095822, ClinGen allele CA11473661.

ClinVar aggregate classification (germline): Benign (1 of 4 stars; one submission).

Allele frequency attached by ClinVar (database versions not stated): 1000 Genomes Project 30x 0.19816; 1000 Genomes Project 0.20108; TOPMed 0.28850; gnomAD 0.29772 and 0.30135.
gnomAD v4.1: 45,326 of 152,132 alleles (30%); highest among the groups gnomAD compares: Non-Finnish European, 38%; 7,441 homozygotes.

Submission:

GeneDx
Classification: Benign. Last evaluated: 2018-06-14. Review status: criteria provided, single submitter. Criteria: GeneDx Variant Classification (06012015). Collection method: clinical testing. Allele origin: germline. Affected: yes.
Comment: This variant is considered likely benign or benign based on one or more of the following criteria: it is a conservative change, it occurs at a poorly conserved position in the protein, it is predicted to be benign by multiple in silico algorithms, and/or has population frequency not consistent with disease.